The following is an entry in ClinVar:

ClinVar aggregate classification (germline): Likely pathogenic (1 of 4 stars; one submission).

Conditions:
Agenesis of the corpus callosum with peripheral neuropathy (ACCPN). Also called: CHARLEVOIX DISEASE; POLYNEUROPATHY, SENSORIMOTOR, WITH OR WITHOUT AGENESIS OF THE CORPUS CALLOSUM; HMSN/ACC; Hereditary Motor and Sensory Neuropathy with Agenesis of the Corpus Callosum. Identifiers: Orphanet 1496, MedGen C0795950, MONDO:0000902, OMIM 218000. Disease mechanism: loss of function.

Submission:

Myriad Genetics, Inc.
Classification: Likely pathogenic for Agenesis of the corpus callosum with peripheral neuropathy. Last evaluated: 2021-12-17. Review status: criteria provided, single submitter. Criteria: Myriad Women's Health Autosomal Recessive and X-Linked Classification Criteria (2021). Collection method: clinical testing. Allele origin: unknown.
Comment: NM_133647.1(SLC12A6):c.559_560delAC(T187Lfs*57) is expected to be pathogenic in the context of Andermann syndrome. This variant is predicted to lead to an abnormal or absent protein product due to the creation of a premature termination codon in SLC12A6, a gene where loss-of-function variants are known to be pathogenic. Please note: this variant was assessed in the context of healthy population screening.

NM_001365088.1(SLC12A6):c.559_560del (p.Thr187fs)

Gene: SLC12A6 (solute carrier family 12 member 6; minus strand). Cytogenetic location: 15q14.
Variant type: Deletion.
Coding change: c.559_560del on transcript NM_001365088.1 (MANE Select); coding-DNA positions 559 to 560, 2 bases deleted (AC; older notation c.559_560delAC).
Protein change: p.Thr187fs; shifts the reading frame from threonine 187.
Molecular consequence: frameshift variant.
Genome position (GRCh38, 1-based): chr15:34,257,772-34,257,773, GT deleted on the plus strand (AC on the coding strand, the reverse complement: SLC12A6 is on the minus strand). VCF-style (leftmost placement, unchanged base first): chr15-34257771-GGT-G. GRCh37 (hg19) VCF-style: chr15-34549972-GGT-G.
Other names: c.382_383del, p.Thr128fs (NM_001042494.2, NM_001042495.2); c.532_533del, p.Thr178fs (NM_001042496.2); c.514_515del, p.Thr172fs (NM_001042497.2); c.406_407del, p.Thr136fs (NM_005135.2); c.559_560del, p.Thr187fs (NM_133647.2); short protein forms T128fs, T136fs, T172fs, T178fs, T187fs.
Identifiers: ClinVar variation 1726508 (VCV001726508.2), dbSNP rs2509832966, ClinGen allele CA2580089323.